The following is an entry in ClinVar:

ClinVar aggregate classification (germline): Uncertain significance (1 of 4 stars; one submission).

Conditions:
GNAS-related disorder. Identifiers: MedGen CN380105.

gnomAD v4.1: 24 of 1,613,640 alleles (0.0015%); highest among the groups gnomAD compares: Non-Finnish European, 0.0019%; no homozygotes.

Submission:

PreventionGenetics, part of Exact Sciences
Classification: Uncertain significance for GNAS-related condition. Last evaluated: 2025-09-04. Review status: criteria provided, single submitter. Criteria: ACMG Guidelines, 2015. Collection method: clinical testing. Allele origin: germline.
Comment: The GNAS c.1867T>C variant is predicted to result in the amino acid substitution p.Ser623Pro. To our knowledge, this variant has not been reported in the literature. This variant is reported in 0.00090% of alleles in individuals of European (Non-Finnish) descent in gnomAD. At this time, the clinical significance of this variant is uncertain due to the absence of conclusive functional and genetic evidence.

NM_080425.4(GNAS):c.1867T>C (p.Ser623Pro)

Gene: GNAS (GNAS complex locus; plus strand). Cytogenetic location: 20q13.32.
Variant type: single nucleotide variant.
Coding change: c.1867T>C on transcript NM_080425.4 (MANE Plus Clinical); coding-DNA position 1867, T replaced by C.
Protein change: p.Ser623Pro; replaces serine 623 with proline.
Molecular consequence: missense variant. On other transcripts: synonymous variant (2), intron variant (3).
Genome position (GRCh38, 1-based): chr20:58,855,132, T>C. VCF-style: chr20-58855132-T-C. GRCh37 (hg19) VCF-style: chr20-57430187-T-C.
Other names: c.1680T>C, p.Asp560= (NM_001077490.3, NM_001309883.1); c.1867T>C, p.Ser623Pro (NM_001410913.1); c.*42+14246T>C (NM_016592.5); c.43+14246T>C (NM_001410912.1); c.-39+13257T>C (NM_001309861.2); short protein forms S623P.
Identifiers: ClinVar variation 4982926 (VCV004982926.1).